The following is an entry in ClinVar:

NM_054027.6(ANKH):c.364G>A (p.Glu122Lys)

Gene: ANKH (ANKH inorganic pyrophosphate transport regulator; minus strand). Cytogenetic location: 5p15.2.
Variant type: single nucleotide variant.
Coding change: c.364G>A on transcript NM_054027.6 (MANE Select); coding-DNA position 364, G replaced by A.
Protein change: p.Glu122Lys; replaces glutamic acid 122 with lysine.
Molecular consequence: missense variant.
Genome position (GRCh38, 1-based): chr5:14,758,548, C>T on the plus strand (G>A on the coding strand, the complement: ANKH is on the minus strand). VCF-style: chr5-14758548-C-T. GRCh37 (hg19) VCF-style: chr5-14758657-C-T.
Other names: short protein forms E122K.
Identifiers: ClinVar variation 3768376 (VCV003768376.1).

ClinVar aggregate classification (germline): Uncertain significance (1 of 4 stars; one submission).

gnomAD v4.1: 15 of 1,614,190 alleles (0.00093%); highest among the groups gnomAD compares: Admixed American, 0.0067%; no homozygotes.

Submission:

Women's Health and Genetics/Laboratory Corporation of America, LabCorp
Classification: Uncertain significance. Last evaluated: 2024-12-02. Review status: criteria provided, single submitter. Criteria: LabCorp Variant Classification Summary - May 2015. Collection method: clinical testing. Allele origin: germline.
Comment: Variant summary: ANKH c.364G>A (p.Glu122Lys) results in a conservative amino acid change in the encoded protein sequence. Three of five in-silico tools predict a damaging effect of the variant on protein function. The variant allele was found at a frequency of 2.8e-05 in 251438 control chromosomes. The available data on variant occurrences in the general population are insufficient to allow any conclusion about variant significance. To our knowledge, no occurrence of c.364G>A in individuals affected with ANKH-Related Disorders and no experimental evidence demonstrating its impact on protein function have been reported. No submitters have cited clinical-significance assessments for this variant to ClinVar. Based on the evidence outlined above, the variant was classified as uncertain significance.